The following is an entry in ClinVar:

ClinVar aggregate classification (germline): Likely benign. Review status: criteria provided, multiple submitters, no conflicts (2 of 4 stars). 2 submissions from 2 submitters: Likely benign (2). Last evaluated 2025-03-06.

Conditions:
Combined malonic and methylmalonic acidemia. Identifiers: Orphanet 289504, MedGen C3280314, MONDO:0013661, OMIM 614265.

Allele frequency attached by ClinVar (database versions not stated): gnomAD 0.00001; gnomAD exomes 0.00001 and 0.00006; TOPMed 0.00005; ExAC 0.00006; ESP Exome Variant Server 0.00008.
gnomAD v4.1: 14 of 1,612,610 alleles (0.00087%); highest among the groups gnomAD compares: Admixed American, 0.0067%; no homozygotes.

Submissions (2):

Labcorp Genetics (formerly Invitae), Labcorp
Classification: Likely benign for Combined malonic and methylmalonic acidemia. Last evaluated: 2025-03-06. Review status: criteria provided, single submitter. Criteria: Invitae Variant Classification Sherloc (09022015). Collection method: clinical testing. Allele origin: germline.

GeneDx
Classification: Likely benign. Last evaluated: 2018-02-02. Review status: criteria provided, single submitter. Criteria: GeneDx Variant Classification (06012015). Collection method: clinical testing. Allele origin: germline. Affected: yes.
Comment: This variant is considered likely benign or benign based on one or more of the following criteria: it is a conservative change, it occurs at a poorly conserved position in the protein, it is predicted to be benign by multiple in silico algorithms, and/or has population frequency not consistent with disease.

NM_001243279.3(ACSF3):c.1239+9C>G

Gene: ACSF3 (acyl-CoA synthetase family member 3; plus strand). Cytogenetic location: 16q24.3.
Variant type: single nucleotide variant.
Coding change: c.1239+9C>G on transcript NM_001243279.3 (MANE Select); 9 bases into the intron after coding-DNA position 1239, C replaced by G.
Molecular consequence: intron variant.
Genome position (GRCh38, 1-based): chr16:89,120,922, C>G. VCF-style: chr16-89120922-C-G. GRCh37 (hg19) VCF-style: chr16-89187330-C-G.
Other names: c.1239+9C>G (NM_001127214.4, NM_174917.5); c.444+9C>G (NM_001284316.2).
Identifiers: ClinVar variation 514796 (VCV000514796.11), dbSNP rs376238513, ClinGen allele CA8238042.